The following is an entry in ClinVar:

ClinVar aggregate classification (germline): Pathogenic/Likely pathogenic. Review status: criteria provided, multiple submitters, no conflicts (2 of 4 stars). 2 submissions from 2 submitters: Pathogenic (1); Likely pathogenic (1). Last evaluated 2025-06-27.

Conditions:
Mucopolysaccharidosis, MPS-III-B (MPS3B). Also called: Mucopolysaccharidosis type IIIB (Sanfilippo B); MUCOPOLYSACCHARIDOSIS, TYPE IIIB; N-ACETYL-ALPHA-D-GLUCOSAMINIDASE DEFICIENCY; NAGLU DEFICIENCY; SANFILIPPO SYNDROME B; MPS III B. Identifiers: Orphanet 79270, MedGen C0086648, MONDO:0009656, OMIM 252920.

Submissions (2):

Myriad Genetics, Inc.
Classification: Likely pathogenic for Mucopolysaccharidosis, MPS-III-B. Last evaluated: 2025-06-27. Review status: criteria provided, single submitter. Criteria: Myriad Autosomal Dominant, Autosomal Recessive and X-Linked Classification Criteria (2023). Collection method: clinical testing. Allele origin: unknown.
Comment: NM_000263.3(NAGLU):c.678+1G>A is a variant in a canonical splice site classified as likely pathogenic in the context of mucopolysaccharidosis type IIIB. c.678+1G>A has been observed in cases with relevant disease (PMID: 11153910, 37596900). Relevant functional assessments of this variant are available in the literature (PMID: 11153910). c.678+1G>A has not been observed in referenced population frequency databases. In summary, NM_000263.3(NAGLU):c.678+1G>A is a variant in a canonical splice site that has functional support for pathogenicity and has been observed more frequently in cases with the relevant disease than in healthy populations. Please note: this variant was assessed in the context of healthy population screening.

Women's Health and Genetics/Laboratory Corporation of America, LabCorp
Classification: Pathogenic for Mucopolysaccharidosis, MPS-III-B. Last evaluated: 2022-04-05. Review status: criteria provided, single submitter. Criteria: LabCorp Variant Classification Summary - May 2015. Collection method: clinical testing. Allele origin: germline.
Comment: Variant summary: NAGLU c.678+1G>A alters a conserved nucleotide located in a canonical splice-site and is predicted to affect mRNA splicing resulting in a significantly altered protein due to either exon skipping, shortening, or inclusion of intronic material. Several computational tools predict a significant impact on normal splicing: Four predict the variant abolishes the canonical 5' splicing donor site. At least one publication reports experimental evidence that this variant affects mRNA splicing resulting in complete skipping of exon 3 as well as a population that results in skipping of both exons 2 and 3 (example, Tessitore_2000). The variant was absent in 249398 control chromosomes. c.678+1G>A has been reported in the literature in individuals affected with Mucopolysaccharidosis Type IIIB (Sanfilippo Syndrome B) (example, Tessitore_2000). These data do not allow any conclusion about variant significance. No clinical diagnostic laboratories have submitted clinical-significance assessments for this variant to ClinVar after 2014. Based on the evidence outlined above, the variant was classified as pathogenic.

Literature cited by the submitters: PubMed 11153910 (cited by Myriad Genetics, Inc. and Women's Health and Genetics/Laboratory Corporation of America, LabCorp); PubMed 37596900 (cited by Myriad Genetics, Inc.).

NM_000263.4(NAGLU):c.678+1G>A

Gene: NAGLU (N-acetyl-alpha-glucosaminidase; plus strand). Cytogenetic location: 17q21.2.
Variant type: single nucleotide variant.
Coding change: c.678+1G>A on transcript NM_000263.4 (MANE Select); the canonical splice donor site of the intron after coding-DNA position 678, G replaced by A.
Molecular consequence: splice donor variant.
Genome position (GRCh38, 1-based): chr17:42,538,486, G>A. VCF-style: chr17-42538486-G-A. GRCh37 (hg19) VCF-style: chr17-40690504-G-A.
Identifiers: ClinVar variation 1683236 (VCV001683236.2), dbSNP rs2143087145, ClinGen allele CA399598799.
Genomic context (GRCh38, chr17:42,538,486, plus strand): 5'-CTGCACACCTGGGATGGCCCCCTGCCCCCCTCCTGGCACATCAAGCAGCTTTACCTGCAG[G>A]TAAAAGGATGGAAAAGGGAAGGGGCAGAATCGGTGATAGATGGTCATGGGCCCAGGAAGG-3'